The following is an entry in ClinVar:

NM_001267550.2(TTN):c.45887TAG[1] (p.Val15297del)

Gene: TTN (titin; minus strand). Cytogenetic location: 2q31.2.
Variant type: Microsatellite.
Coding change: c.45887TAG[1] on transcript NM_001267550.2 (MANE Select); one copy of the 3-base unit TAG starting at c.45887; the reference has two copies in a row; one copy, 3 bases deleted.
Protein change: p.Val15297del; deletes valine 15297.
Molecular consequence: inframe deletion.
Genome position (GRCh38, 1-based): chr2:178,620,718-178,620,720, CTA deleted on the plus strand (TAG on the coding strand, the reverse complement: TTN is on the minus strand); deleting any 3 consecutive bases within chr2:178,620,718-178,620,723 gives the same sequence; the position shown is the placement nearest the transcript's 3' end. VCF-style (leftmost placement, unchanged base first): chr2-178620717-TCTA-T. GRCh37 (hg19) VCF-style: chr2-179485444-TCTA-T.
Other names: c.40964TAG[1], p.Val13656del (NM_001256850.1); c.18692TAG[1], p.Val6232del (NM_003319.4); c.38183TAG[1], p.Val12729del (NM_133378.4); c.19067TAG[1], p.Val6357del (NM_133432.3); c.19268TAG[1], p.Val6424del (NM_133437.4); c.18695_18697delTAG (NM_003319.4); short protein forms V6424del, V12729del, V13656del, V15297del, V6232del, V6357del.
Identifiers: ClinVar variation 2586543 (VCV002586543.2), dbSNP rs2471016018, ClinGen allele CA2577171323.

ClinVar aggregate classification (germline): Uncertain significance (1 of 4 stars; one submission).

Conditions:
Cardiovascular phenotype. Identifiers: MedGen CN230736.

Submission:

Ambry Genetics
Classification: Uncertain significance for Cardiovascular phenotype. Last evaluated: 2023-07-31. Review status: criteria provided, single submitter. Criteria: Ambry Variant Classification Scheme 2023. Collection method: clinical testing. Allele origin: germline.
Comment: The c.18695_18697delTAG variant (also known as p.V6232del) is located in coding exon 74 of the TTN gene. This variant results from an in-frame TAG deletion at nucleotide positions 18695 to 18697. This results in the in-frame deletion of a valine at codon 6232. This amino acid position is well conserved in available vertebrate species. In addition, this alteration is predicted to be deleterious by in silico analysis (Choi Y et al. PLoS ONE. 2012; 7(10):e46688). Since supporting evidence is limited at this time, the clinical significance of this alteration remains unclear.